The following is an entry in ClinVar:

NM_018979.4(WNK1):c.335C>T (p.Pro112Leu)

Gene: WNK1 (WNK lysine deficient protein kinase 1; plus strand). Cytogenetic location: 12p13.33.
Variant type: single nucleotide variant.
Coding change: c.335C>T on transcript NM_018979.4 (MANE Select); coding-DNA position 335, C replaced by T.
Protein change: p.Pro112Leu; replaces proline 112 with leucine.
Molecular consequence: missense variant.
Genome position (GRCh38, 1-based): chr12:753,900, C>T. VCF-style: chr12-753900-C-T. GRCh37 (hg19) VCF-style: chr12-863066-C-T.
Other names: c.335C>T, p.Pro112Leu (NM_001184985.2, NM_014823.3, NM_213655.5); short protein forms P112L.
Identifiers: ClinVar variation 3750034 (VCV003750034.2).

ClinVar aggregate classification (germline): Uncertain significance (1 of 4 stars; one submission).

Conditions:
Neuropathy, hereditary sensory and autonomic, type 2A (HSAN2A). Also called: ACROOSTEOLYSIS, GIACCAI TYPE; ACROOSTEOLYSIS, NEUROGENIC; MORVAN DISEASE; NEUROPATHY, CONGENITAL SENSORY; NEUROPATHY, HEREDITARY SENSORY RADICULAR, AUTOSOMAL RECESSIVE; NEUROPATHY, HEREDITARY SENSORY, TYPE IIA. Identifiers: Orphanet 970, MedGen C2752089, MONDO:0024309, OMIM 201300.
Pseudohypoaldosteronism type 2C (PHA2C). Also called: Pseudohypoaldosteronism Type IIC. Identifiers: Orphanet 757, Orphanet 88940, MedGen C1840391, MONDO:0013778, OMIM 614492.

Submission:

Labcorp Genetics (formerly Invitae), Labcorp
Classification: Uncertain significance for Neuropathy, hereditary sensory and autonomic, type 2A; Pseudohypoaldosteronism type 2C. Last evaluated: 2024-03-13. Review status: criteria provided, single submitter. Criteria: Invitae Variant Classification Sherloc (09022015). Collection method: clinical testing. Allele origin: germline.
Comment: This sequence change replaces proline, which is neutral and non-polar, with leucine, which is neutral and non-polar, at codon 112 of the WNK1 protein (p.Pro112Leu). This variant is not present in population databases (gnomAD no frequency). This variant has not been reported in the literature in individuals affected with WNK1-related conditions. Advanced modeling of protein sequence and biophysical properties (such as structural, functional, and spatial information, amino acid conservation, physicochemical variation, residue mobility, and thermodynamic stability) performed at Invitae indicates that this missense variant is not expected to disrupt WNK1 protein function with a negative predictive value of 95%. In summary, the available evidence is currently insufficient to determine the role of this variant in disease. Therefore, it has been classified as a Variant of Uncertain Significance.